The following is an entry in ClinVar:

NM_032119.4(ADGRV1):c.1213A>G (p.Ile405Val)

Gene: ADGRV1 (adhesion G protein-coupled receptor V1; plus strand). Cytogenetic location: 5q14.3.
Variant type: single nucleotide variant.
Coding change: c.1213A>G on transcript NM_032119.4 (MANE Select); coding-DNA position 1213, A replaced by G.
Protein change: p.Ile405Val; replaces isoleucine 405 with valine.
Molecular consequence: missense variant. On other transcripts: non-coding transcript variant (1).
Genome position (GRCh38, 1-based): chr5:90,627,751, A>G. VCF-style: chr5-90627751-A-G. GRCh37 (hg19) VCF-style: chr5-89923568-A-G.
Other names: short protein forms I405V.
Identifiers: ClinVar variation 5016794 (VCV005016794.1).

ClinVar aggregate classification (germline): Uncertain significance (1 of 4 stars; one submission).

gnomAD v4.1: 20 of 1,555,518 alleles (0.0013%); highest among the groups gnomAD compares: Non-Finnish European, 0.0017%; no homozygotes.

Submission:

GeneDx
Classification: Uncertain significance. Last evaluated: 2026-04-06. Review status: criteria provided, single submitter. Criteria: GeneDx Variant Classification Process June 2021. Collection method: clinical testing. Allele origin: germline.
Comment: Not observed at significant frequency in large population cohorts (gnomAD); In silico analysis suggests that this missense variant does not alter protein structure/function; Has not been previously published as pathogenic or benign to our knowledge